The following is an entry in ClinVar:

ClinVar aggregate classification (germline): Uncertain significance (1 of 4 stars; one submission).

Submission:

Labcorp Genetics (formerly Invitae), Labcorp
Classification: Uncertain significance. Last evaluated: 2022-10-11. Review status: criteria provided, single submitter. Criteria: Invitae Variant Classification Sherloc (09022015). Collection method: clinical testing. Allele origin: germline.
Comment: In summary, the available evidence is currently insufficient to determine the role of this variant in disease. Therefore, it has been classified as a Variant of Uncertain Significance. Experimental studies and prediction algorithms are not available or were not evaluated, and the functional significance of this variant is currently unknown. This variant has not been reported in the literature in individuals affected with SON-related conditions. Information on the frequency of this variant in the gnomAD database is not available, as this variant may be reported differently in the database. This sequence change replaces threonine, which is neutral and polar, with serine, which is neutral and polar, at codon 768 of the SON protein (p.Thr768Ser).

NM_138927.4(SON):c.2301_2302delinsGT (p.Thr768Ser)

Gene: SON (SON DNA and RNA binding protein; plus strand). Cytogenetic location: 21q22.11.
Variant type: Indel.
Coding change: c.2301_2302delinsGT on transcript NM_138927.4 (MANE Select); coding-DNA positions 2301 to 2302, AA replaced by GT.
Protein change: p.Thr768Ser; replaces threonine 768 with serine.
Molecular consequence: missense variant. On other transcripts: non-coding transcript variant (1), intron variant (1).
Genome position (GRCh38, 1-based): chr21:33,551,532-33,551,533, AA replaced by GT. VCF-style: chr21-33551532-AA-GT. GRCh37 (hg19) VCF-style: chr21-34923838-AA-GT.
Other names: c.2301_2302delinsGT, p.Thr768Ser (NM_001291411.2, NM_032195.3); c.2301_2302delAAinsGT, p.Thr768Ser (NM_001412133.1, NM_058183.2, NM_138926.1); c.244+5153_244+5154delinsGT (NM_001291412.3); short protein forms T768S.
Identifiers: ClinVar variation 2111876 (VCV002111876.4), dbSNP rs2517362011, ClinGen allele CA645608103.